The following is an entry in ClinVar:

NM_001378477.3(NYX):c.988C>T (p.Arg330Cys)

Gene: NYX (nyctalopin; plus strand). Cytogenetic location: Xp11.4.
Variant type: single nucleotide variant.
Coding change: c.988C>T on transcript NM_001378477.3 (MANE Select); coding-DNA position 988, C replaced by T.
Protein change: p.Arg330Cys; replaces arginine 330 with cysteine.
Molecular consequence: missense variant.
Genome position (GRCh38, 1-based): chrX:41,474,456, C>T. VCF-style: chrX-41474456-C-T. GRCh37 (hg19) VCF-style: chrX-41333709-C-T.
Other names: c.988C>T, p.Arg330Cys (NM_022567.3); short protein forms R330C.
Identifiers: ClinVar variation 3704500 (VCV003704500.2).

ClinVar aggregate classification (germline): Uncertain significance (1 of 4 stars; one submission).

Submission:

Labcorp Genetics (formerly Invitae), Labcorp
Classification: Uncertain significance. Last evaluated: 2024-02-07. Review status: criteria provided, single submitter. Criteria: Invitae Variant Classification Sherloc (09022015). Collection method: clinical testing. Allele origin: germline.
Comment: This sequence change replaces arginine, which is basic and polar, with cysteine, which is neutral and slightly polar, at codon 335 of the NYX protein (p.Arg335Cys). This variant is present in population databases (rs781111707, gnomAD 0.008%). This missense change has been observed in individual(s) with retinal dystrophy (PMID: 28559085). Advanced modeling of protein sequence and biophysical properties (such as structural, functional, and spatial information, amino acid conservation, physicochemical variation, residue mobility, and thermodynamic stability) has been performed at Invitae for this missense variant, however the output from this modeling did not meet the statistical confidence thresholds required to predict the impact of this variant on NYX protein function. In summary, the available evidence is currently insufficient to determine the role of this variant in disease. Therefore, it has been classified as a Variant of Uncertain Significance.

Literature cited by the submitters: PubMed 28559085.